The following is an entry in ClinVar:

ClinVar aggregate classification (germline): Conflicting classifications of pathogenicity. Review status: criteria provided, conflicting classifications (1 of 4 stars). 3 submissions from 3 submitters: Uncertain significance (1); Likely benign (1). 1 of the submissions does not count toward it. Last evaluated 2024-09-30.

Conditions:
Cardiomyopathy (CMYO). Also called: Cardiomyopathies. Identifiers: Orphanet 167848, MedGen C0878544, MONDO:0004994, HP:0001638. Inheritance: Various modes of inheritance.
Duchenne muscular dystrophy (DMD). Also called: MUSCULAR DYSTROPHY, PSEUDOHYPERTROPHIC PROGRESSIVE, DUCHENNE TYPE; Duchenne Muscular Dystrophy (DMD). Identifiers: Orphanet 98896, MedGen C0013264, MONDO:0010679, OMIM 310200.
Becker muscular dystrophy (BMD). Also called: MUSCULAR DYSTROPHY, PSEUDOHYPERTROPHIC PROGRESSIVE, BECKER TYPE; Becker Muscular Dystrophy (BMD). Identifiers: Orphanet 98895, MedGen C0917713, MONDO:0010311, OMIM 300376.
Dystrophin deficiency.
Cardiovascular phenotype. Identifiers: MedGen CN230736.

Allele frequency attached by ClinVar (database versions not stated): gnomAD exomes 0.00001; ExAC 0.00003.
gnomAD v4.1: 5 of 1,210,907 alleles (0.00041%); highest among the groups gnomAD compares: Non-Finnish European, 0.00056%; no homozygotes.

Submissions (3):

Ambry Genetics
Classification: Uncertain significance for Cardiovascular phenotype. Last evaluated: 2024-09-30. Review status: criteria provided, single submitter. Criteria: Ambry Variant Classification Scheme 2023. Collection method: clinical testing. Allele origin: germline.
Comment: The p.I2968T variant (also known as c.8903T>C), located in coding exon 59 of the DMD gene, results from a T to C substitution at nucleotide position 8903. The isoleucine at codon 2968 is replaced by threonine, an amino acid with similar properties. Based on data from gnomAD, the C allele has an overall frequency of <0.01% (2/X179863) total alleles studied, with 1 hemizygote(s) observed. The highest observed frequency was <0.01% (2/79816) of European (non-Finnish) alleles. This amino acid position is highly conserved in available vertebrate species. In addition, the in silico prediction for this alteration is inconclusive. Based on the available evidence, the clinical significance of this variant remains unclear.

Labcorp Genetics (formerly Invitae), Labcorp
Classification: Likely benign for Duchenne muscular dystrophy. Last evaluated: 2024-02-02. Review status: criteria provided, single submitter. Criteria: Invitae Variant Classification Sherloc (09022015). Collection method: clinical testing. Allele origin: germline.

Natera, Inc.
Classification: Uncertain significance for Becker muscular dystrophy; Cardiomyopathy; Duchenne muscular dystrophy; Dystrophin deficiency. Last evaluated: 2020-03-25. Review status: no assertion criteria provided. Collection method: clinical testing. Allele origin: germline. Not counted in ClinVar's aggregate classification.

NM_004006.3(DMD):c.8903T>C (p.Ile2968Thr)

Gene: DMD (dystrophin; minus strand). Cytogenetic location: Xp21.2.
Variant type: single nucleotide variant.
Coding change: c.8903T>C on transcript NM_004006.3 (MANE Select); coding-DNA position 8903, T replaced by C.
Protein change: p.Ile2968Thr; replaces isoleucine 2968 with threonine.
Molecular consequence: missense variant.
Genome position (GRCh38, 1-based): chrX:31,478,140, A>G on the plus strand (T>C on the coding strand, the complement: DMD is on the minus strand). VCF-style: chrX-31478140-A-G. GRCh37 (hg19) VCF-style: chrX-31496257-A-G.
Other names: c.8879T>C, p.Ile2960Thr (NM_000109.4); c.8891T>C, p.Ile2964Thr (NM_004009.3); c.8534T>C, p.Ile2845Thr (NM_004010.3); c.4880T>C, p.Ile1627Thr (NM_004011.4); c.4871T>C, p.Ile1624Thr (NM_004012.4); c.1523T>C, p.Ile508Thr (NM_004013.3, NM_004020.4, NM_004021.3 and 2 more transcripts); c.716T>C, p.Ile239Thr (NM_004014.3); short protein forms I1627T, I2845T, I2964T, I508T, I1624T, I239T, I2960T, I2968T.
Identifiers: ClinVar variation 651720 (VCV000651720.11), dbSNP rs755061434, ClinGen allele CA10377969.
Genomic context (GRCh38, chrX:31,478,140, plus strand): 5'-CCCTGAAGCAAAGAAGTAGACGGTACCTTGACTTTCTCGAGGTGATCTTGGAGAGAGTCA[A>G]TGAGGAGATCGCCCACGGGCTGCCAGGATCCCTTGATCACCTCAGCTTGGCGCAGCTTGA-3'
Protein context (NP_003997.2, residues 2958-2978): GSWQPVGDLL[Ile2968Thr]DSLQDHLEKV